The following is an entry in ClinVar:

NM_000255.4(MMUT):c.2146G>A (p.Val716Ile)

Gene: MMUT (methylmalonyl-CoA mutase; minus strand). Cytogenetic location: 6p12.3.
Variant type: single nucleotide variant.
Coding change: c.2146G>A on transcript NM_000255.4 (MANE Select); coding-DNA position 2146, G replaced by A.
Protein change: p.Val716Ile; replaces valine 716 with isoleucine.
Molecular consequence: missense variant.
Genome position (GRCh38, 1-based): chr6:49,431,835, C>T on the plus strand (G>A on the coding strand, the complement: MMUT is on the minus strand). VCF-style: chr6-49431835-C-T. GRCh37 (hg19) VCF-style: chr6-49399548-C-T.
Other names: short protein forms V716I.
Identifiers: ClinVar variation 1391534 (VCV001391534.3), dbSNP rs763572961, ClinGen allele CA3846639.

ClinVar aggregate classification (germline): Uncertain significance (1 of 4 stars; one submission).

Allele frequency attached by ClinVar (database versions not stated): gnomAD 0.00001; ExAC 0.00001; TOPMed 0.00002.
gnomAD v4.1: 12 of 1,613,626 alleles (0.00074%); highest among the groups gnomAD compares: Middle Eastern, 0.016%; no homozygotes.

Submission:

Labcorp Genetics (formerly Invitae), Labcorp
Classification: Uncertain significance. Last evaluated: 2021-12-08. Review status: criteria provided, single submitter. Criteria: Invitae Variant Classification Sherloc (09022015). Collection method: clinical testing. Allele origin: germline.
Comment: This sequence change replaces valine, which is neutral and non-polar, with isoleucine, which is neutral and non-polar, at codon 716 of the MUT protein (p.Val716Ile). This variant is present in population databases (rs763572961, gnomAD 0.003%). This variant has not been reported in the literature in individuals affected with MUT-related conditions. Algorithms developed to predict the effect of missense changes on protein structure and function output the following: SIFT: "Tolerated"; PolyPhen-2: "Benign"; Align-GVGD: "Class C0". The isoleucine amino acid residue is found in multiple mammalian species, which suggests that this missense change does not adversely affect protein function. In summary, the available evidence is currently insufficient to determine the role of this variant in disease. Therefore, it has been classified as a Variant of Uncertain Significance.